The following is an entry in ClinVar:

NM_000289.6(PFKM):c.*163G>A

Gene: PFKM (phosphofructokinase, muscle; plus strand). Cytogenetic location: 12q13.11.
Variant type: single nucleotide variant.
Coding change: c.*163G>A on transcript NM_000289.6 (MANE Select); 163 bases downstream of the stop codon, G replaced by A.
Molecular consequence: 3 prime UTR variant. On other transcripts: non-coding transcript variant (6).
Genome position (GRCh38, 1-based): chr12:48,145,871, G>A. VCF-style: chr12-48145871-G-A. GRCh37 (hg19) VCF-style: chr12-48539654-G-A.
Other names: c.*163G>A (NM_001166686.2, NM_001166687.2, NM_001166688.2 and 15 more transcripts).
Identifiers: ClinVar variation 883071 (VCV000883071.4), dbSNP rs370250637, ClinGen allele CA236520220.

ClinVar aggregate classification (germline): Benign (1 of 4 stars; one submission).

Conditions:
Glycogen storage disease, type VII (GSD7). Also called: GSD VII; MUSCLE PHOSPHOFRUCTOKINASE DEFICIENCY; PFKM DEFICIENCY; TARUI DISEASE. Identifiers: Orphanet 371, MedGen C0017926, MONDO:0009295, OMIM 232800.

Allele frequency attached by ClinVar (database versions not stated): TOPMed 0.00005; 1000 Genomes Project 30x 0.00390; 1000 Genomes Project 0.00399.
gnomAD v4.1: 678 of 685,962 alleles (0.099%); highest among the groups gnomAD compares: South Asian, 1.2%; 9 homozygotes.

Submission:

Illumina Laboratory Services, Illumina
Classification: Benign for Glycogen storage disease, type VII. Last evaluated: 2018-01-12. Review status: criteria provided, single submitter. Criteria: ICSL Variant Classification Criteria 13 December 2019. Collection method: clinical testing. Allele origin: germline.
Comment: This variant was observed in the ICSL laboratory as part of a predisposition screen in an ostensibly healthy population. It had not been previously curated by ICSL or reported in the Human Gene Mutation Database (HGMD: prior to June 1st, 2018), and was therefore a candidate for classification through an automated scoring system. Utilizing variant allele frequency, disease prevalence and penetrance estimates, and inheritance mode, an automated score was calculated to assess if this variant is too frequent to cause the disease. Based on the score and internal cut-off values, a variant classified as benign is not then subjected to further curation. The score for this variant resulted in a classification of benign for this disease.